The following is an entry in ClinVar:

ClinVar aggregate classification (germline): Likely benign (1 of 4 stars; one submission).

gnomAD v4.1: 153 of 1,197,975 alleles (0.013%); highest among the groups gnomAD compares: East Asian, 0.16%; 3 homozygotes.

Submission:

CeGaT Center for Human Genetics Tuebingen
Classification: Likely benign. Last evaluated: 2026-08-01. Review status: criteria provided, single submitter. Criteria: CeGaT Center For Human Genetics Tuebingen Variant Classification Criteria Version 2. Collection method: clinical testing. Allele origin: germline. Affected: yes. Observed: 1 variant allele.
Comment: ZRSR2: BP4, BS2

NM_005089.4(ZRSR2):c.1319G>A (p.Arg440Gln)

Gene: ZRSR2 (zinc finger CCCH-type, RNA binding motif and serine/arginine rich 2; plus strand). Cytogenetic location: Xp22.2.
Variant type: single nucleotide variant.
Coding change: c.1319G>A on transcript NM_005089.4 (MANE Select); coding-DNA position 1319, G replaced by A.
Protein change: p.Arg440Gln; replaces arginine 440 with glutamine.
Molecular consequence: missense variant.
Genome position (GRCh38, 1-based): chrX:15,823,112, G>A. VCF-style: chrX-15823112-G-A. GRCh37 (hg19) VCF-style: chrX-15841235-G-A.
Other names: short protein forms R440Q.
Identifiers: ClinVar variation 5039369 (VCV005039369.1).
Genomic context (GRCh38, chrX:15,823,112, plus strand): 5'-CACGAAGCAGAGGAAGAAATAGGGACCGCAGCAGGGACCGCAGCCGGGGCCGGGGCAGCC[G>A]GAGCCGGAGCCGGAGCCGGAGCCGCAGGAGCCGCCGCAGCCGGAGCCAAAGTTCCTCTAG-3'
Protein context (NP_005080.1, residues 430-450): SRDRSRGRGS[Arg440Gln]SRSRSRSRRS